The following is an entry in ClinVar:

NM_000209.4(PDX1):c.77C>T (p.Pro26Leu)

Gene: PDX1 (pancreatic and duodenal homeobox 1; plus strand). Cytogenetic location: 13q12.2.
Variant type: single nucleotide variant.
Coding change: c.77C>T on transcript NM_000209.4 (MANE Select); coding-DNA position 77, C replaced by T.
Protein change: p.Pro26Leu; replaces proline 26 with leucine.
Molecular consequence: missense variant.
Genome position (GRCh38, 1-based): chr13:27,920,215, C>T. VCF-style: chr13-27920215-C-T. GRCh37 (hg19) VCF-style: chr13-28494352-C-T.
Other names: short protein forms P26L.
Identifiers: ClinVar variation 1801834 (VCV001801834.1), dbSNP rs954397231, ClinGen allele CA247262898.

ClinVar aggregate classification (germline): Uncertain significance (1 of 4 stars; one submission).

Conditions:
Pancreatic hypoplasia. Identifiers: MedGen C0266267, HP:0002594.

Allele frequency attached by ClinVar (database versions not stated): gnomAD 0.00001.

Submission:

Clinical Genomics, Uppaluri K&H Personalized Medicine Clinic
Classification: Uncertain significance for Pancreatic hypoplasia. Review status: criteria provided, single submitter. Criteria: K & H Uppaluri Personalized Medicine Clinic Variant Classification & Assertion Criteria_Updated V.1. Collection method: research. Allele origin: unknown. Inheritance: Autosomal recessive inheritance.
Comment: Potent homozygous mutations in the PDX1 gene can lead to pancreatic agenesis/pancreatic hypoplasia and neonatal diabetes mellitus. However no sufficient evidence is found to ascertain the role of this particular variant rs954397231, yet.

Literature cited by the submitters: PubMed 31366392; PubMed 19855005; PubMed 29396371; PubMed 28436541; PubMed 27386488; PubMed 19817786.